The following is an entry in ClinVar:

ClinVar aggregate classification (germline): Uncertain significance (1 of 4 stars; one submission).

Conditions:
Charcot-Marie-Tooth disease type 2. Also called: Charcot-Marie-Tooth type 2. Identifiers: Orphanet 64746, MedGen C0270914, MONDO:0018993.

Allele frequency attached by ClinVar (database versions not stated): gnomAD exomes below 0.00001.
gnomAD v4.1: 1 of 1,614,040 alleles (0.000062%); highest among the groups gnomAD compares: Non-Finnish European, 0.000085%; no homozygotes.

Submission:

Labcorp Genetics (formerly Invitae), Labcorp
Classification: Uncertain significance for Charcot-Marie-Tooth disease type 2. Last evaluated: 2025-05-20. Review status: criteria provided, single submitter. Criteria: Invitae Variant Classification Sherloc (09022015). Collection method: clinical testing. Allele origin: germline.
Comment: This sequence change falls in intron 42 of the KIF1B gene. It does not directly change the encoded amino acid sequence of the KIF1B protein. This variant is not present in population databases (gnomAD no frequency). This variant has not been reported in the literature in individuals affected with KIF1B-related conditions. ClinVar contains an entry for this variant (Variation ID: 2777180). Algorithms developed to predict the effect of sequence changes on RNA splicing suggest that this variant may disrupt the consensus splice site. In summary, the available evidence is currently insufficient to determine the role of this variant in disease. Therefore, it has been classified as a Variant of Uncertain Significance.

NM_001365951.3(KIF1B):c.4825-13G>A

Gene: KIF1B (kinesin family member 1B; plus strand). Cytogenetic location: 1p36.22.
Variant type: single nucleotide variant.
Coding change: c.4825-13G>A on transcript NM_001365951.3 (MANE Select); 13 bases into the intron before coding-DNA position 4825, G replaced by A.
Molecular consequence: intron variant.
Genome position (GRCh38, 1-based): chr1:10,371,128, G>A. VCF-style: chr1-10371128-G-A. GRCh37 (hg19) VCF-style: chr1-10431186-G-A.
Other names: c.4687-13G>A (NM_015074.3); c.4825-13G>A (NM_001365952.1).
Identifiers: ClinVar variation 2777180 (VCV002777180.3), dbSNP rs2521951433, ClinGen allele CA2574207351.
Genomic context (GRCh38, chr1:10,371,128, plus strand): 5'-AAACTCCCTATTGTTACTGTAGAGGCAGCTTTTTTCAGCTGAATGTAACTTGTAGTGTTC[G>A]GTTTGCTTCCAGTTGTCTGATATCTCTCCAATTGGACGGGATCCCTCTGAGTCCAGTTTC-3'